The following is an entry in ClinVar:

ClinVar aggregate classification (germline): Uncertain significance (1 of 4 stars; one submission).

Conditions:
Combined immunodeficiency due to OX40 deficiency. Also called: OX40 DEFICIENCY; Immunodeficiency 16. Identifiers: Orphanet 431149, MedGen C3810053, MONDO:0014268, OMIM 615593.

Allele frequency attached by ClinVar (database versions not stated): gnomAD 0.00001.
gnomAD v4.1: 5 of 1,601,348 alleles (0.00031%); highest among the groups gnomAD compares: South Asian, 0.0011%; no homozygotes.

Submission:

Labcorp Genetics (formerly Invitae), Labcorp
Classification: Uncertain significance for Combined immunodeficiency due to OX40 deficiency. Last evaluated: 2025-04-22. Review status: criteria provided, single submitter. Criteria: Invitae Variant Classification Sherloc (09022015). Collection method: clinical testing. Allele origin: germline.
Comment: This sequence change replaces arginine, which is basic and polar, with histidine, which is basic and polar, at codon 58 of the TNFRSF4 protein (p.Arg58His). The frequency data for this variant in the population databases is considered unreliable, as metrics indicate poor data quality at this position in the gnomAD database. This variant has not been reported in the literature in individuals affected with TNFRSF4-related conditions. ClinVar contains an entry for this variant (Variation ID: 2786658). Invitae Evidence Modeling of protein sequence and biophysical properties (such as structural, functional, and spatial information, amino acid conservation, physicochemical variation, residue mobility, and thermodynamic stability) indicates that this missense variant is not expected to disrupt TNFRSF4 protein function with a negative predictive value of 80%. In summary, the available evidence is currently insufficient to determine the role of this variant in disease. Therefore, it has been classified as a Variant of Uncertain Significance.

NM_003327.4(TNFRSF4):c.173G>A (p.Arg58His)

Gene: TNFRSF4 (TNF receptor superfamily member 4; minus strand). Cytogenetic location: 1p36.33.
Variant type: single nucleotide variant.
Coding change: c.173G>A on transcript NM_003327.4 (MANE Select); coding-DNA position 173, G replaced by A.
Protein change: p.Arg58His; replaces arginine 58 with histidine.
Molecular consequence: missense variant.
Genome position (GRCh38, 1-based): chr1:1,213,758, C>T on the plus strand (G>A on the coding strand, the complement: TNFRSF4 is on the minus strand). VCF-style: chr1-1213758-C-T. GRCh37 (hg19) VCF-style: chr1-1149138-C-T.
Other names: c.173G>A, p.Arg58His (NM_001410709.1); short protein forms R58H.
Identifiers: ClinVar variation 2786658 (VCV002786658.3), dbSNP rs370340188, ClinGen allele CA337802241.